The following is an entry in ClinVar:

ClinVar aggregate classification (germline): Benign/Likely benign. Review status: criteria provided, multiple submitters, no conflicts (2 of 4 stars). 2 submissions from 2 submitters: Benign (1); Likely benign (1). Last evaluated 2025-11-09.

Conditions:
PURA-related severe neonatal hypotonia-seizures-encephalopathy syndrome (NEDRIHF). Also called: PURA-Related Neurodevelopmental Disorders; NEURODEVELOPMENTAL DISORDER WITH NEONATAL RESPIRATORY INSUFFICIENCY, HYPOTONIA, AND FEEDING DIFFICULTIES. Identifiers: Orphanet 438213, Orphanet 438216, MedGen C4015357, MONDO:1060108, OMIM 616158, MONDO:0018580.

Submissions (2):

Labcorp Genetics (formerly Invitae), Labcorp
Classification: Benign for PURA-related severe neonatal hypotonia-seizures-encephalopathy syndrome. Last evaluated: 2025-11-09. Review status: criteria provided, single submitter. Criteria: Invitae Variant Classification Sherloc (09022015). Collection method: clinical testing. Allele origin: germline.

CeGaT Center for Human Genetics Tuebingen
Classification: Likely benign. Last evaluated: 2023-10-01. Review status: criteria provided, single submitter. Criteria: CeGaT Center For Human Genetics Tuebingen Variant Classification Criteria Version 2. Collection method: clinical testing. Allele origin: germline. Affected: yes. Observed: 7 variant alleles.
Comment: PURA: BP4, BP7

NM_005859.5(PURA):c.105T>G (p.Gly35=)

Gene: PURA (purine rich element binding protein A; plus strand). Cytogenetic location: 5q31.3.
Variant type: single nucleotide variant.
Coding change: c.105T>G on transcript NM_005859.5 (MANE Select); coding-DNA position 105, T replaced by G.
Protein change: p.Gly35=; no amino-acid change (glycine 35 retained).
Molecular consequence: synonymous variant.
Genome position (GRCh38, 1-based): chr5:140,114,286, T>G. VCF-style: chr5-140114286-T-G. GRCh37 (hg19) VCF-style: chr5-139493871-T-G.
Identifiers: ClinVar variation 1879633 (VCV001879633.31), dbSNP rs1282359377, ClinGen allele CA446758567.